The following is an entry in ClinVar:

NM_000179.3(MSH6):c.7C>T (p.Arg3Ter)

Gene: MSH6 (mutS homolog 6; plus strand). Cytogenetic location: 2p16.3.
Variant type: single nucleotide variant.
Coding change: c.7C>T on transcript NM_000179.3 (MANE Select); coding-DNA position 7, C replaced by T.
Protein change: p.Arg3Ter; replaces arginine 3 with a stop codon.
Molecular consequence: nonsense. On other transcripts: 5 prime UTR variant (1).
Genome position (GRCh38, 1-based): chr2:47,783,240, C>T. VCF-style: chr2-47783240-C-T. GRCh37 (hg19) VCF-style: chr2-48010379-C-T.
Other names: c.7C>T, p.Arg3Ter (NM_001281492.2, NM_001406795.1, NM_001406796.1 and 9 more transcripts); c.-730C>T (NM_001281493.2, NM_001406811.1); c.-322C>T (NM_001406799.1); c.-49C>T (NM_001406804.1); c.-922C>T (NM_001406807.1); c.-577C>T (NM_001406812.1); c.-988C>T (NM_001406814.1); c.-533C>T (NM_001406816.1); short protein forms R3*.
Identifiers: ClinVar variation 2101402 (VCV002101402.7), dbSNP rs1553408074, ClinGen allele CA346734470.
Genomic context (GRCh38, chr2:47,783,240, plus strand): 5'-GGTGCTTTTAGGAGCTCCGTCCGACAGAACGGTTGGGCCTTGCCGGCTGTCGGTATGTCG[C>T]GACAGAGCACCCTGTACAGCTTCTTCCCCAAGTCTCCGGCGCTGAGTGATGCCAACAAGG-3'

ClinVar aggregate classification (germline): Pathogenic/Likely pathogenic. Review status: criteria provided, multiple submitters, no conflicts (2 of 4 stars). 2 submissions from 2 submitters: Pathogenic (1); Likely pathogenic (1). Last evaluated 2022-05-04.

Conditions:
Hereditary nonpolyposis colorectal neoplasms. Identifiers: MedGen C0009405, MeSH D003123.

Submissions (2):

Revvity Omics, Revvity
Classification: Likely pathogenic. Last evaluated: 2022-05-04. Review status: criteria provided, single submitter. Criteria: ACMG Guidelines, 2015. Collection method: clinical testing. Allele origin: germline.

Labcorp Genetics (formerly Invitae), Labcorp
Classification: Pathogenic for Hereditary nonpolyposis colorectal neoplasms. Last evaluated: 2022-02-22. Review status: criteria provided, single submitter. Criteria: Invitae Variant Classification Sherloc (09022015). Collection method: clinical testing. Allele origin: germline.
Comment: This variant is not present in population databases (gnomAD no frequency). This sequence change creates a premature translational stop signal (p.Arg3*) in the MSH6 gene. It is expected to result in an absent or disrupted protein product. Loss-of-function variants in MSH6 are known to be pathogenic (PMID: 18269114, 24362816). This variant has not been reported in the literature in individuals affected with MSH6-related conditions. For these reasons, this variant has been classified as Pathogenic.

Literature cited by the submitters: PubMed 18269114 (cited by Labcorp Genetics (formerly Invitae), Labcorp); PubMed 24362816 (cited by Labcorp Genetics (formerly Invitae), Labcorp).